The following is an entry in ClinVar:

NM_001374828.1(ARID1B):c.3889_3890del (p.Lys1297fs)

Gene: ARID1B (AT-rich interaction domain 1B; plus strand). Cytogenetic location: 6q25.3.
Variant type: Deletion.
Coding change: c.3889_3890del on transcript NM_001374828.1 (MANE Select); coding-DNA positions 3889 to 3890, 2 bases deleted (AA; older notation c.3889_3890delAA).
Protein change: p.Lys1297fs; shifts the reading frame from lysine 1297.
Molecular consequence: frameshift variant.
Genome position (GRCh38, 1-based): chr6:157,184,405-157,184,406, AA deleted; deleting any 2 consecutive bases within chr6:157,184,402-157,184,406 gives the same sequence; the c. name uses the placement nearest the transcript's 3' end. VCF-style (leftmost placement, unchanged base first): chr6-157184401-CAA-C. GRCh37 (hg19) VCF-style: chr6-157505535-CAA-C.
Other names: c.3520_3521delAA (NM_020732.3); c.1390_1391del, p.Lys464fs (NM_001363725.2); c.3769_3770del, p.Lys1257fs (NM_001371656.1, NM_001374820.1); c.3730_3731del, p.Lys1244fs (NM_017519.3); short protein forms K464fs, K1244fs, K1257fs, K1297fs.
Identifiers: ClinVar variation 280257 (VCV000280257.2), dbSNP rs886041493, ClinGen allele CA10602974.

ClinVar aggregate classification (germline): Pathogenic (1 of 4 stars; one submission).

Submission:

GeneDx
Classification: Pathogenic. Last evaluated: 2016-01-04. Review status: criteria provided, single submitter. Criteria: GeneDx Variant Classification (06012015). Collection method: clinical testing. Allele origin: germline. Affected: yes.
Comment: The c.3520_3521delAA pathogenic variant in the ARID1B gene has not been reported previously as a pathogenic variant nor as a benign variant, to our knowledge. This variant causes a frameshift starting with codon Lysine-1174, changes this amino acid to an Alanine residue, and creates a premature Stop codon at position 11 of the new reading frame, denoted p.Lys1174AlafsX11. This variant is predicted to cause loss of normal protein function either through protein truncation or nonsense-mediated mRNA decay. The c.3520_3521delAA variant was not observed in approximately 6500 individuals of European and African American ancestry in the NHLBI Exome Sequencing Project, indicating it is not a common benign variant in these populations. We interpret c.3520_3521delAA as a pathogenic variant.